The following is an entry in ClinVar:

ClinVar aggregate classification (germline): Likely benign (1 of 4 stars; one submission).

gnomAD v4.1: 1,676 of 436,324 alleles (0.38%); highest among the groups gnomAD compares: Non-Finnish European, 0.46%; 11 homozygotes.

Submissions (3):

CeGaT Center for Human Genetics Tuebingen
Classification: Likely benign. Last evaluated: 2026-01-01. Review status: criteria provided, single submitter. Criteria: CeGaT Center For Human Genetics Tuebingen Variant Classification Criteria Version 2. Collection method: clinical testing. Allele origin: germline. Affected: yes. Observed: 2 variant alleles.
Comment: MUC4: BP4, BS2

Dr. Peter K. Rogan Lab, Western University
No classification provided (evidence only). Condition: Colon adenocarcinoma. Review status: no classification provided. Collection method: in vitro. Allele origin: not applicable. Functional consequence: retained intron. Not counted in ClinVar's aggregate classification.

Dr. Peter K. Rogan Lab, Western University
No classification provided (evidence only). Condition: Colon adenocarcinoma. Review status: no classification provided. Collection method: in vitro. Allele origin: not applicable. Functional consequence: skipped exon, retained intron. Not counted in ClinVar's aggregate classification.

NM_018406.7(MUC4):c.9961G>T (p.Ala3321Ser)

Gene: MUC4 (mucin 4, cell surface associated). Cytogenetic location: 3q29.
Variant type: single nucleotide variant.
Coding change: c.9961G>T on transcript NM_018406.7 (MANE Select); coding-DNA position 9961, G replaced by T.
Protein change: p.Ala3321Ser; replaces alanine 3321 with serine.
Molecular consequence: missense variant. On other transcripts: intron variant (2).
Genome position (GRCh38, 1-based): chr3:195,781,619, C>A on the plus strand (G>T on the coding strand, the complement: MUC4 is on the minus strand). VCF-style: chr3-195781619-C-A. GRCh37 (hg19) VCF-style: chr3-195508490-C-A.
Other names: NC_000003.11:g.195508490C>A; c.83-7314G>T (NM_138297.5); c.83-3164G>T (NM_004532.6); short protein forms A3321S.
Identifiers: ClinVar variation 4083627 (VCV004083627.9).